The following is an entry in ClinVar:

NM_000264.5(PTCH1):c.349A>T (p.Lys117Ter)

Gene: PTCH1 (patched 1; minus strand). Cytogenetic location: 9q22.32.
Variant type: single nucleotide variant.
Coding change: c.349A>T on transcript NM_000264.5 (MANE Select); coding-DNA position 349, A replaced by T.
Protein change: p.Lys117Ter; replaces lysine 117 with a stop codon.
Molecular consequence: nonsense. On other transcripts: 5 prime UTR variant (4), non-coding transcript variant (1).
Genome position (GRCh38, 1-based): chr9:95,506,452, T>A on the plus strand (A>T on the coding strand, the complement: PTCH1 is on the minus strand). VCF-style: chr9-95506452-T-A. GRCh37 (hg19) VCF-style: chr9-98268734-T-A.
Other names: c.151A>T, p.Lys51Ter (NM_001083602.3, NM_001354919.2); c.346A>T, p.Lys116Ter (NM_001083603.3); c.-105A>T (NM_001083604.3, NM_001083605.3, NM_001083606.3 and 1 more transcripts); c.349A>T, p.Lys117Ter (NM_001354918.2); short protein forms K116*, K117*, K51*.
Identifiers: ClinVar variation 1455933 (VCV001455933.6), dbSNP rs2118875526, ClinGen allele CA374120226.

ClinVar aggregate classification (germline): Pathogenic (1 of 4 stars; one submission).

Conditions:
Gorlin syndrome. Also called: Nevoid Basal Cell Carcinoma Syndrome; Basal cell nevus syndrome. Identifiers: Orphanet 377, MedGen C0004779, MONDO:0007187.

Submission:

Labcorp Genetics (formerly Invitae), Labcorp
Classification: Pathogenic for Gorlin syndrome. Last evaluated: 2021-06-13. Review status: criteria provided, single submitter. Criteria: Invitae Variant Classification Sherloc (09022015). Collection method: clinical testing. Allele origin: germline.
Comment: For these reasons, this variant has been classified as Pathogenic. This variant has not been reported in the literature in individuals with PTCH1-related conditions. This variant is not present in population databases (ExAC no frequency). This sequence change creates a premature translational stop signal (p.Lys117*) in the PTCH1 gene. It is expected to result in an absent or disrupted protein product. Loss-of-function variants in PTCH1 are known to be pathogenic (PMID: 16301862, 16419085).

Literature cited by the submitters: PubMed 16301862; PubMed 16419085.